The following is an entry in ClinVar:

FIBRINOGEN DETROIT 1

Gene: FGA (fibrinogen alpha chain; minus strand). Cytogenetic location: 4q31.3.
Variant type: single nucleotide variant.
Molecular consequence: missense variant (on NM_021871.4).
Genome position: GRCh38 VCF-style: chr4-154589503-C-G. GRCh37 (hg19) VCF-style: chr4-155510655-C-G.
Other names: R19S; p.Arg38Ser; c.114G>C, p.Arg38Ser (NM_000508.5, NM_021871.4); short protein forms R38S.
Identifiers: ClinVar variation 16401 (VCV000016401.2), dbSNP rs1403508334, ClinGen allele CA358533872.

ClinVar aggregate classification (germline): Likely pathogenic. Review status: criteria provided, single submitter (1 of 4 stars). 2 submissions from 2 submitters: Likely pathogenic (1). 1 of the submissions does not count toward it. Last evaluated 2025-08-21.

Conditions:
FIBRINOGEN DETROIT 1.

Allele frequency attached by ClinVar (database versions not stated): TOPMed below 0.00001.

Submissions (2):

Mayo Clinic Laboratories, Mayo Clinic
Classification: Likely pathogenic. Last evaluated: 2025-08-21. Review status: criteria provided, single submitter. Criteria: ACMG Guidelines, 2015. Collection method: clinical testing. Allele origin: germline. Observed: 1 variant allele.
Comment: PM2_supporting, PM5, PS4

OMIM
Classification: other for FIBRINOGEN DETROIT 1. Last evaluated: 2014-09-29. Review status: no assertion criteria provided. Collection method: literature only. Allele origin: germline. Not counted in ClinVar's aggregate classification.

Literature cited by the submitters: PubMed 29351094 (cited by Mayo Clinic Laboratories, Mayo Clinic); PubMed 33807613 (cited by Mayo Clinic Laboratories, Mayo Clinic); PubMed 37583269 (cited by Mayo Clinic Laboratories, Mayo Clinic); PubMed 38286442 (cited by Mayo Clinic Laboratories, Mayo Clinic); PubMed 40727949 (cited by Mayo Clinic Laboratories, Mayo Clinic); PubMed 5645286 (cited by OMIM); PubMed 4250289 (cited by OMIM).